The following is an entry in ClinVar:

ClinVar aggregate classification (germline): Uncertain significance. Review status: criteria provided, multiple submitters, no conflicts (2 of 4 stars). 2 submissions from 2 submitters: Uncertain significance (2). Last evaluated 2024-08-05.

Conditions:
Inborn genetic diseases. Identifiers: MedGen C0950123, MeSH D030342.
Lethal Kniest-like syndrome (DDSH). Also called: Dyssegmental Dysplasia. Identifiers: Orphanet 1865, MedGen C1857100, MONDO:0009140, OMIM 224410.
Schwartz-Jampel syndrome. Also called: Myotonic myopathy dwarfism chondrodystrophy and ocular and facial abnormalities. Identifiers: Orphanet 800, MedGen C0036391, MONDO:0009717.

Allele frequency attached by ClinVar (database versions not stated): ExAC 0.00005; gnomAD 0.00009; TOPMed 0.00011; 1000 Genomes Project 30x 0.00016; 1000 Genomes Project 0.00020.
gnomAD v4.1: 31 of 1,552,834 alleles (0.002%); highest among the groups gnomAD compares: African/African-American, 0.04%; no homozygotes.

Submissions (2):

Ambry Genetics
Classification: Uncertain significance for Inborn genetic diseases. Last evaluated: 2024-08-05. Review status: criteria provided, single submitter. Criteria: Ambry Variant Classification Scheme 2023. Collection method: clinical testing. Allele origin: germline.

Labcorp Genetics (formerly Invitae), Labcorp
Classification: Uncertain significance. Last evaluated: 2022-06-21. Review status: criteria provided, single submitter. Criteria: Invitae Variant Classification Sherloc (09022015). Collection method: clinical testing. Allele origin: germline.
Comment: This sequence change replaces alanine, which is neutral and non-polar, with valine, which is neutral and non-polar, at codon 1578 of the HSPG2 protein (p.Ala1578Val). The frequency data for this variant in the population databases is considered unreliable, as metrics indicate poor data quality at this position in the gnomAD database. This variant has not been reported in the literature in individuals affected with HSPG2-related conditions. Algorithms developed to predict the effect of missense changes on protein structure and function (SIFT, PolyPhen-2, Align-GVGD) all suggest that this variant is likely to be tolerated. In summary, the available evidence is currently insufficient to determine the role of this variant in disease. Therefore, it has been classified as a Variant of Uncertain Significance.

NM_005529.7(HSPG2):c.4733C>T (p.Ala1578Val)

Gene: HSPG2 (heparan sulfate proteoglycan 2; minus strand). Cytogenetic location: 1p36.12.
Variant type: single nucleotide variant.
Coding change: c.4733C>T on transcript NM_005529.7 (MANE Select); coding-DNA position 4733, C replaced by T.
Protein change: p.Ala1578Val; replaces alanine 1578 with valine.
Molecular consequence: missense variant.
Genome position (GRCh38, 1-based): chr1:21,864,107, G>A on the plus strand (C>T on the coding strand, the complement: HSPG2 is on the minus strand). VCF-style: chr1-21864107-G-A. GRCh37 (hg19) VCF-style: chr1-22190600-G-A.
Other names: c.4733C>T (NM_005529.5, NM_005529.6); c.4736C>T, p.Ala1579Val (NM_001291860.2); short protein forms A1578V, A1579V.
Identifiers: ClinVar variation 1947521 (VCV001947521.4), dbSNP rs550675884, ClinGen allele CA672191.
Genomic context (GRCh38, chr1:21,864,107, plus strand): 5'-CCACCCAGGCCCAGCTGAGCTGACCCCCTGTCCTGGCCTCGCTTGCAGCTCACCGAGCAG[G>A]CCCCAGTCTCTGGGTGGCACAGGTCTGAGTGGCCATTGCATTCACATAGCTCGCAGTGGC-3'
Protein context (NP_005520.4, residues 1568-1588): HSDLCHPETG[Ala1578Val]CSQCQHNAAG